The following is an entry in ClinVar:

ClinVar aggregate classification (germline): Pathogenic (1 of 4 stars; one submission).

Submission:

GeneDx
Classification: Pathogenic. Last evaluated: 2019-08-10. Review status: criteria provided, single submitter. Criteria: GeneDx Variant Classification Process June 2021. Collection method: clinical testing. Allele origin: germline. Affected: yes.
Comment: Nonsense variant predicted to result in protein truncation or nonsense mediated decay in a gene for which loss-of-function is a known mechanism of disease; Not observed in large population cohorts (Lek et al., 2016); Has not been previously published as pathogenic or benign to our knowledge

NM_183357.3(ADCY5):c.668C>A (p.Ser223Ter)

Gene: ADCY5 (adenylate cyclase 5; minus strand). Cytogenetic location: 3q21.1.
Variant type: single nucleotide variant.
Coding change: c.668C>A on transcript NM_183357.3 (MANE Select); coding-DNA position 668, C replaced by A.
Protein change: p.Ser223Ter; replaces serine 223 with a stop codon.
Molecular consequence: nonsense.
Genome position (GRCh38, 1-based): chr3:123,447,878, G>T on the plus strand (C>A on the coding strand, the complement: ADCY5 is on the minus strand). VCF-style: chr3-123447878-G-T. GRCh37 (hg19) VCF-style: chr3-123166725-G-T.
Other names: c.668C>A, p.Ser223Ter (NM_001378259.1); short protein forms S223*.
Identifiers: ClinVar variation 620203 (VCV000620203.2), dbSNP rs1553751151, ClinGen allele CA354356996.
Genomic context (GRCh38, chr3:123,447,878, plus strand): 5'-GTGAGGCTGCTCTGGTTCAGGCGGAAGAAGTAGCGCTGGTACAGCCGCTCCAGTTTGTCC[G>T]ACGGGAACTTCTTGGAGCGGAATATCTGCAGCAACGCCAGGCAGCAGGCGCCCAGGGACA-3'